The following is an entry in ClinVar:

NM_000370.3(TTPA):c.421G>A (p.Glu141Lys)

Gene: TTPA (alpha tocopherol transfer protein; minus strand). Cytogenetic location: 8q12.3.
Variant type: single nucleotide variant.
Coding change: c.421G>A on transcript NM_000370.3 (MANE Select); coding-DNA position 421, G replaced by A.
Protein change: p.Glu141Lys; replaces glutamic acid 141 with lysine.
Molecular consequence: missense variant.
Genome position (GRCh38, 1-based): chr8:63,066,035, C>T on the plus strand (G>A on the coding strand, the complement: TTPA is on the minus strand). VCF-style: chr8-63066035-C-T. GRCh37 (hg19) VCF-style: chr8-63978594-C-T.
Other names: short protein forms E141K.
Identifiers: ClinVar variation 65592 (VCV000065592.12), dbSNP rs397515524, ClinGen allele CA344920.

ClinVar aggregate classification (germline): Pathogenic/Likely pathogenic. Review status: criteria provided, multiple submitters, no conflicts (2 of 4 stars). 6 submissions from 6 submitters: Pathogenic (1); Likely pathogenic (4). 1 of the submissions does not count toward it. Last evaluated 2025-10-20.

Conditions:
Familial isolated deficiency of vitamin E (AVED). Also called: ATAXIA, FRIEDREICH-LIKE, WITH SELECTIVE VITAMIN E DEFICIENCY; Ataxia with isolated vitamin E deficiency. Identifiers: Orphanet 96, MedGen C1848533, MONDO:0010188, OMIM 277460.

Allele frequency attached by ClinVar (database versions not stated): TOPMed below 0.00001; gnomAD 0.00001.
gnomAD v4.1: 17 of 1,613,758 alleles (0.0011%); highest among the groups gnomAD compares: Non-Finnish European, 0.0011%; no homozygotes.

Submissions (6):

Women's Health and Genetics/Laboratory Corporation of America, LabCorp
Classification: Likely pathogenic for Familial isolated deficiency of vitamin E. Last evaluated: 2025-10-20. Review status: criteria provided, single submitter. Criteria: LabCorp Variant Classification Summary - May 2015. Collection method: clinical testing. Allele origin: germline.
Comment: Variant summary: TTPA c.421G>A (p.Glu141Lys) results in a conservative amino acid change located in the CRAL-TRIO lipid binding domain (IPR001251) of the encoded protein sequence. Algorithms developed to predict the effect of missense changes on protein structure and function are either unavailable or do not agree on the potential impact of this missense change. The variant allele was found at a frequency of 2.4e-05 in 251346 control chromosomes. c.421G>A has been reported in the literature in bi-alleleic individuals affected with Ataxia With Vitamin E Deficiency (example, Cavalier_1998, Schuelke_2000), including at least 2 individuals with a pathogenic variant in trans. These data indicate that the variant is likely to be associated with disease. At least one publication reports experimental evidence evaluating an impact on protein function. The most pronounced variant effect in vitro results in 30%-50% of normal enzyme activity, and additional in vitro studies found slightly reduced tocopherol transfer ability and protein aggregation in the presence of this variant (example, Morley_2004, Morley_2008, Min_2003). The following publications have been ascertained in the context of this evaluation (PMID: 11916749, 34563650, 23713716, 9463307, 24369383, 22479462, 10360777, 12899840, 23077608, 14657365, 15065857, 18458085, 11094124, 25262571, 17628170, 17628171, 39333430, 39702880, 38535124, 18458655, 10448528, 15300460, 16819822, 12767229). ClinVar contains an entry for this variant (Variation ID: 65592). Based on the evidence outlined above, the variant was classified as likely pathogenic.

Natera, Inc.
Classification: Likely pathogenic for Ataxia with isolated vitamin E deficiency. Last evaluated: 2025-07-03. Review status: criteria provided, single submitter. Criteria: Natera Variant Classification Schema (03/2026). Collection method: clinical testing. Allele origin: germline.
Comment: The c.421G>A variant in TTPA is a missense variant predicted to cause substitution of glutamic acid to lysine at amino acid 141. This variant is rare in the general population with a frequency below the threshold expected for the associated phenotype(s). This variant has been observed in one or more individuals affected with the associated recessive disease, as either homozygous or compound heterozygous with a second variant (PMID: 11094124, 9463307). Additionally, this variant has been observed to segregate in affected family members (PMID: 11094124). Computational prediction algorithms indicate this variant is likely to affect gene or protein function. Given the available evidence, this variant is classified as Likely Pathogenic.

Human Genetics Bochum, Ruhr University Bochum
Classification: Likely pathogenic for Familial isolated deficiency of vitamin E. Last evaluated: 2024-07-17. Review status: criteria provided, single submitter. Criteria: ACMG Guidelines, 2015. Collection method: clinical testing. Allele origin: germline. Affected: yes.
Comment: ACMG criteria used to clasify this variant: PP3_MOD, PS3_SUP, PM1_SUP, PM2_SUP, PP2

Fulgent Genetics
Classification: Likely pathogenic for Familial isolated deficiency of vitamin E. Last evaluated: 2024-05-29. Review status: criteria provided, single submitter. Criteria: ACMG Guidelines, 2015. Collection method: clinical testing. Allele origin: germline.

Baylor Genetics
Classification: Pathogenic for Familial isolated deficiency of vitamin E. Last evaluated: 2023-12-29. Review status: criteria provided, single submitter. Criteria: ACMG Guidelines, 2015. Collection method: clinical testing. Allele origin: unknown.

GeneReviews
No classification provided. Condition: Familial isolated deficiency of vitamin E. Review status: no classification provided. Collection method: literature only. Allele origin: unknown. Not counted in ClinVar's aggregate classification.

Literature cited by the submitters: PubMed 24369383 (cited by Women's Health and Genetics/Laboratory Corporation of America, LabCorp and Human Genetics Bochum, Ruhr University Bochum); PubMed 9463307 (cited by Women's Health and Genetics/Laboratory Corporation of America, LabCorp and Natera, Inc.); PubMed 10360777 (cited by Women's Health and Genetics/Laboratory Corporation of America, LabCorp); PubMed 15300460 (cited by Women's Health and Genetics/Laboratory Corporation of America, LabCorp); PubMed 11916749 (cited by Women's Health and Genetics/Laboratory Corporation of America, LabCorp); PubMed 34563650 (cited by Women's Health and Genetics/Laboratory Corporation of America, LabCorp and Human Genetics Bochum, Ruhr University Bochum); PubMed 23713716 (cited by Women's Health and Genetics/Laboratory Corporation of America, LabCorp); PubMed 22479462 (cited by Women's Health and Genetics/Laboratory Corporation of America, LabCorp); PubMed 12899840 (cited by Women's Health and Genetics/Laboratory Corporation of America, LabCorp); PubMed 23077608 (cited by Women's Health and Genetics/Laboratory Corporation of America, LabCorp); PubMed 14657365 (cited by Women's Health and Genetics/Laboratory Corporation of America, LabCorp); PubMed 15065857 (cited by Women's Health and Genetics/Laboratory Corporation of America, LabCorp); PubMed 18458085 (cited by Women's Health and Genetics/Laboratory Corporation of America, LabCorp); PubMed 16819822 (cited by Women's Health and Genetics/Laboratory Corporation of America, LabCorp); PubMed 25262571 (cited by Women's Health and Genetics/Laboratory Corporation of America, LabCorp); PubMed 11094124 (cited by Women's Health and Genetics/Laboratory Corporation of America, LabCorp and Natera, Inc.); PubMed 39333430 (cited by Women's Health and Genetics/Laboratory Corporation of America, LabCorp); PubMed 38535124 (cited by Women's Health and Genetics/Laboratory Corporation of America, LabCorp); PubMed 18458655 (cited by Women's Health and Genetics/Laboratory Corporation of America, LabCorp); PubMed 10448528 (cited by Women's Health and Genetics/Laboratory Corporation of America, LabCorp); PubMed 39702880 (cited by Women's Health and Genetics/Laboratory Corporation of America, LabCorp); PubMed 12767229 (cited by Women's Health and Genetics/Laboratory Corporation of America, LabCorp); PubMed 17628171 (cited by Women's Health and Genetics/Laboratory Corporation of America, LabCorp); PubMed 17628170 (cited by Women's Health and Genetics/Laboratory Corporation of America, LabCorp); PubMed 20301419 (cited by GeneReviews); NCBI Bookshelf NBK1241 (cited by GeneReviews).